The following is an entry in ClinVar:

NM_207361.6(FREM2):c.305G>C (p.Gly102Ala)

Gene: FREM2 (FRAS1 related extracellular matrix 2; plus strand). Cytogenetic location: 13q13.3.
Variant type: single nucleotide variant.
Coding change: c.305G>C on transcript NM_207361.6 (MANE Select); coding-DNA position 305, G replaced by C.
Protein change: p.Gly102Ala; replaces glycine 102 with alanine.
Molecular consequence: missense variant.
Genome position (GRCh38, 1-based): chr13:38,687,649, G>C. VCF-style: chr13-38687649-G-C. GRCh37 (hg19) VCF-style: chr13-39261786-G-C.
Other names: c.305G>C (NM_207361.5); short protein forms G102A.
Identifiers: ClinVar variation 2058293 (VCV002058293.3), dbSNP rs576435356, ClinGen allele CA6954183.

ClinVar aggregate classification (germline): Uncertain significance. Review status: criteria provided, single submitter (1 of 4 stars). 2 submissions from 2 submitters: Uncertain significance (1). 1 of the submissions does not count toward it. Last evaluated 2022-03-21.

Conditions:
FREM2-related disorder. Also called: FREM2-related condition.

Allele frequency attached by ClinVar (database versions not stated): gnomAD exomes 0.00005; 1000 Genomes Project 30x 0.00016; ExAC 0.00018; 1000 Genomes Project 0.00020; gnomAD 0.00055.
gnomAD v4.1: 157 of 1,607,486 alleles (0.0098%); highest among the groups gnomAD compares: African/African-American, 0.18%; no homozygotes.

Submissions (2):

Labcorp Genetics (formerly Invitae), Labcorp
Classification: Uncertain significance. Last evaluated: 2022-03-21. Review status: criteria provided, single submitter. Criteria: Invitae Variant Classification Sherloc (09022015). Collection method: clinical testing. Allele origin: germline.
Comment: This sequence change replaces glycine, which is neutral and non-polar, with alanine, which is neutral and non-polar, at codon 102 of the FREM2 protein (p.Gly102Ala). This variant is present in population databases (rs576435356, gnomAD 0.2%). This variant has not been reported in the literature in individuals affected with FREM2-related conditions. Algorithms developed to predict the effect of missense changes on protein structure and function are either unavailable or do not agree on the potential impact of this missense change (SIFT: "Deleterious"; PolyPhen-2: "Benign"; Align-GVGD: "Class C0"). In summary, the available evidence is currently insufficient to determine the role of this variant in disease. Therefore, it has been classified as a Variant of Uncertain Significance.

PreventionGenetics, part of Exact Sciences
Classification: Likely benign for FREM2-related condition. Last evaluated: 2022-03-31. Review status: no assertion criteria provided. Collection method: clinical testing. Allele origin: germline. Not counted in ClinVar's aggregate classification.
Comment: This variant is classified as likely benign based on ACMG/AMP sequence variant interpretation guidelines (Richards et al. 2015 PMID: 25741868, with internal and published modifications).